The following is an entry in ClinVar:

ClinVar aggregate classification (germline): Likely benign. Review status: criteria provided, multiple submitters, no conflicts (2 of 4 stars). 3 submissions from 3 submitters: Likely benign (2). 1 of the submissions does not count toward it. Last evaluated 2025-11-23.

Conditions:
EPG5-related disorder. Also called: EPG5-related condition. Identifiers: MedGen CN381528.
Vici syndrome (VICIS). Identifiers: Orphanet 1493, MedGen C1855772, MONDO:0009452, OMIM 242840.

Allele frequency attached by ClinVar (database versions not stated): gnomAD exomes 0.00001; gnomAD 0.00007 and 0.00010; TOPMed 0.00015.
gnomAD v4.1: 32 of 1,613,844 alleles (0.002%); highest among the groups gnomAD compares: Admixed American, 0.033%; no homozygotes.

Submissions (3):

Labcorp Genetics (formerly Invitae), Labcorp
Classification: Likely benign for Vici syndrome. Last evaluated: 2025-11-23. Review status: criteria provided, single submitter. Criteria: Invitae Variant Classification Sherloc (09022015). Collection method: clinical testing. Allele origin: germline.

Breakthrough Genomics
Classification: Likely benign. Review status: criteria provided, single submitter. Criteria: ACMG Guidelines, 2015. Collection method: not provided. Allele origin: germline. Inheritance: Autosomal recessive inheritance. Affected: yes.

PreventionGenetics, part of Exact Sciences
Classification: Likely benign for EPG5-related condition. Last evaluated: 2024-01-24. Review status: no assertion criteria provided. Collection method: clinical testing. Allele origin: germline. Not counted in ClinVar's aggregate classification.
Comment: This variant is classified as likely benign based on ACMG/AMP sequence variant interpretation guidelines (Richards et al. 2015 PMID: 25741868, with internal and published modifications).

NM_020964.3(EPG5):c.4621C>T (p.Leu1541=)

Gene: EPG5 (ectopic P-granules 5 autophagy tethering factor; minus strand). Cytogenetic location: 18q21.1.
Variant type: single nucleotide variant.
Coding change: c.4621C>T on transcript NM_020964.3 (MANE Select); coding-DNA position 4621, C replaced by T.
Protein change: p.Leu1541=; no amino-acid change (leucine 1541 retained).
Molecular consequence: synonymous variant.
Genome position (GRCh38, 1-based): chr18:45,901,021, G>A on the plus strand (C>T on the coding strand, the complement: EPG5 is on the minus strand). VCF-style: chr18-45901021-G-A. GRCh37 (hg19) VCF-style: chr18-43480986-G-A.
Other names: c.4621C>T (NM_020964.2).
Identifiers: ClinVar variation 1149714 (VCV001149714.13), dbSNP rs1321980926, ClinGen allele CA503792674.